The following is an entry in ClinVar:

NM_001376.5(DYNC1H1):c.3955G>A (p.Val1319Met)

Gene: DYNC1H1 (dynein cytoplasmic 1 heavy chain 1; plus strand). Cytogenetic location: 14q32.31.
Variant type: single nucleotide variant.
Coding change: c.3955G>A on transcript NM_001376.5 (MANE Select); coding-DNA position 3955, G replaced by A.
Protein change: p.Val1319Met; replaces valine 1319 with methionine.
Molecular consequence: missense variant.
Genome position (GRCh38, 1-based): chr14:102,000,139, G>A. VCF-style: chr14-102000139-G-A. GRCh37 (hg19) VCF-style: chr14-102466476-G-A.
Other names: short protein forms V1319M.
Identifiers: ClinVar variation 1496913 (VCV001496913.9), dbSNP rs370976687, ClinGen allele CA266993704.

ClinVar aggregate classification (germline): Conflicting classifications of pathogenicity. Review status: criteria provided, conflicting classifications (1 of 4 stars). 3 submissions from 3 submitters: Uncertain significance (2); Likely benign (1). Last evaluated 2025-07-15.

Conditions:
Charcot-Marie-Tooth disease axonal type 2O. Also called: CHARCOT-MARIE-TOOTH NEUROPATHY, AXONAL, TYPE 2O; CHARCOT-MARIE-TOOTH DISEASE, AXONAL, AUTOSOMAL DOMINANT, TYPE 2O; Charcot-Marie-Tooth disease, axonal, type 20; Charcot-Marie-Tooth Neuropathy Type 2O. Identifiers: Orphanet 284232, MedGen C3280220, MONDO:0013644, OMIM 614228.
Inborn genetic diseases. Identifiers: MedGen C0950123, MeSH D030342.
DYNC1H1-related disorder. Also called: DYNC1H1-related disorders; DYNC1H1-related condition. Identifiers: MedGen CN381529.

Allele frequency attached by ClinVar (database versions not stated): gnomAD exomes 0.00001; TOPMed 0.00001; ESP Exome Variant Server 0.00008.
gnomAD v4.1: 11 of 1,614,206 alleles (0.00068%); highest among the groups gnomAD compares: Middle Eastern, 0.033%; no homozygotes.

Submissions (3):

PreventionGenetics, part of Exact Sciences
Classification: Uncertain significance for DYNC1H1-related condition. Last evaluated: 2025-07-15. Review status: criteria provided, single submitter. Criteria: ACMG Guidelines, 2015. Collection method: clinical testing. Allele origin: germline.
Comment: The DYNC1H1 c.3955G>A variant is predicted to result in the amino acid substitution p.Val1319Met. To our knowledge, this variant has not been reported in the literature. This variant is reported in 0.0018% of alleles in individuals of European (non-Finnish) descent in gnomAD. At this time, the clinical significance of this variant is uncertain due to the absence of conclusive functional and genetic evidence.

Labcorp Genetics (formerly Invitae), Labcorp
Classification: Likely benign for Charcot-Marie-Tooth disease axonal type 2O. Last evaluated: 2024-10-23. Review status: criteria provided, single submitter. Criteria: Invitae Variant Classification Sherloc (09022015). Collection method: clinical testing. Allele origin: germline.

Ambry Genetics
Classification: Uncertain significance for Inborn genetic diseases. Last evaluated: 2021-04-08. Review status: criteria provided, single submitter. Criteria: Ambry Variant Classification Scheme 2023. Collection method: clinical testing. Allele origin: germline.
Comment: The p.V1319M variant (also known as c.3955G>A), located in coding exon 17 of the DYNC1H1 gene, results from a G to A substitution at nucleotide position 3955. The valine at codon 1319 is replaced by methionine, an amino acid with highly similar properties. This amino acid position is highly conserved in available vertebrate species. In addition, this alteration is predicted to be tolerated by in silico analysis. Since supporting evidence is limited at this time, the clinical significance of this alteration remains unclear.